The following is an entry in ClinVar:

NM_000180.4(GUCY2D):c.450G>A (p.Trp150Ter)

Gene: GUCY2D (guanylate cyclase 2D, retinal; plus strand). Cytogenetic location: 17p13.1.
Variant type: single nucleotide variant.
Coding change: c.450G>A on transcript NM_000180.4 (MANE Select); coding-DNA position 450, G replaced by A.
Protein change: p.Trp150Ter; replaces tryptophan 150 with a stop codon.
Molecular consequence: nonsense.
Genome position (GRCh38, 1-based): chr17:8,003,497, G>A. VCF-style: chr17-8003497-G-A. GRCh37 (hg19) VCF-style: chr17-7906815-G-A.
Other names: short protein forms W150*.
Identifiers: ClinVar variation 2925600 (VCV002925600.4), dbSNP rs2545418010, ClinGen allele CA397943654.

ClinVar aggregate classification (germline): Pathogenic/Likely pathogenic. Review status: criteria provided, multiple submitters, no conflicts (2 of 4 stars). 2 submissions from 2 submitters: Pathogenic (1); Likely pathogenic (1). Last evaluated 2026-07-28.

Conditions:
Leber congenital amaurosis 1 (LCA1). Also called: AMAUROSIS CONGENITA OF LEBER I; RETINAL BLINDNESS, CONGENITAL; Congenital absence of the rods and cones; Leber's congenital tapetoretinal degeneration; Leber's congenital tapetoretinal dysplasia. Identifiers: Orphanet 65, MedGen C2931258, MONDO:0008764, OMIM 204000.
Cone-rod dystrophy 6 (CORD6). Also called: RETINAL CONE DYSTROPHY 2; Cone dystrophy progressive. Identifiers: Orphanet 1872, MedGen C1866293, MONDO:0011143, OMIM 601777.

Allele frequency attached by ClinVar (database versions not stated): gnomAD exomes 0.00001.
gnomAD v4.1: 4 of 1,530,030 alleles (0.00026%); highest among the groups gnomAD compares: Non-Finnish European, 0.00035%; no homozygotes.

Submissions (2):

Department of Medical Genetics, Ordu University Medical School Training and Research Hospital
Classification: Likely pathogenic for Leber congenital amaurosis 1. Last evaluated: 2026-07-28. Review status: criteria provided, single submitter. Criteria: ACMG Guidelines, 2015. Collection method: clinical testing. Allele origin: maternal. Inheritance: Autosomal recessive inheritance. Affected: no. Observed: 1 variant allele, 1 heterozygote.
Comment: Nonsense variant, p.Trp150Ter, in exon 2 of 20. The premature termination codon lies well upstream of the 3'-terminal exon-exon junction and the transcript is predicted to undergo nonsense-mediated decay; biallelic loss of function of GUCY2D causes autosomal recessive Leber congenital amaurosis 1 (PVS1). Very rare in gnomAD v4 (4/1,377,754 alleles, no homozygotes; PM2). ClinVar contains an existing pathogenic classification for this variant (VCV002925600).

Labcorp Genetics (formerly Invitae), Labcorp
Classification: Pathogenic for Leber congenital amaurosis 1; Cone-rod dystrophy 6. Last evaluated: 2023-01-13. Review status: criteria provided, single submitter. Criteria: Invitae Variant Classification Sherloc (09022015). Collection method: clinical testing. Allele origin: germline.
Comment: For these reasons, this variant has been classified as Pathogenic. This premature translational stop signal has been observed in individual(s) with leber congenital amaurosis (PMID: 17964524). This variant is not present in population databases (gnomAD no frequency). This sequence change creates a premature translational stop signal (p.Trp150*) in the GUCY2D gene. It is expected to result in an absent or disrupted protein product. Loss-of-function variants in GUCY2D are known to be pathogenic (PMID: 10951519, 11328726).

Literature cited by the submitters: PubMed 17964524 (cited by Labcorp Genetics (formerly Invitae), Labcorp); PubMed 10951519 (cited by Labcorp Genetics (formerly Invitae), Labcorp); PubMed 11328726 (cited by Labcorp Genetics (formerly Invitae), Labcorp).